The following is an entry in ClinVar:

NM_017636.4(TRPM4):c.3368C>G (p.Thr1123Arg)

Gene: TRPM4 (transient receptor potential cation channel subfamily M member 4; plus strand). Cytogenetic location: 19q13.33.
Variant type: single nucleotide variant.
Coding change: c.3368C>G on transcript NM_017636.4 (MANE Select); coding-DNA position 3368, C replaced by G.
Protein change: p.Thr1123Arg; replaces threonine 1123 with arginine.
Molecular consequence: missense variant.
Genome position (GRCh38, 1-based): chr19:49,210,749, C>G. VCF-style: chr19-49210749-C-G. GRCh37 (hg19) VCF-style: chr19-49714006-C-G.
Other names: c.2933C>G, p.Thr978Arg (NM_001195227.2); c.3023C>G, p.Thr1008Arg (NM_001321281.2); c.1760C>G, p.Thr587Arg (NM_001321282.2); c.2846C>G, p.Thr949Arg (NM_001321283.2); c.2306C>G, p.Thr769Arg (NM_001321285.2); short protein forms T1123R, T587R, T949R, T978R, T769R, T1008R.
Identifiers: ClinVar variation 4704378 (VCV004704378.1).
Genomic context (GRCh38, chr19:49,210,749, plus strand): 5'-TGACTCCGCCCGCCCCTGCAGGGGTTTACCTTTCTAAGGAAGCCGAGCGGAAGCTGCTAA[C>G]GTGGGAATCGGTGCATAAGGAGAACTTTCTGCTGGCACGCGCTAGGGACAAGCGGGAGAG-3'
Protein context (NP_060106.2, residues 1113-1133): LSKEAERKLL[Thr1123Arg]WESVHKENFL

ClinVar aggregate classification (germline): Uncertain significance (1 of 4 stars; one submission).

Conditions:
Progressive familial heart block type IB (PFHB1B). Identifiers: Orphanet 871, MedGen C1970298, MONDO:0011474, OMIM 604559.

gnomAD v4.1: 1 of 1,614,158 alleles (0.000062%); highest among the groups gnomAD compares: Non-Finnish European, 0.000085%; no homozygotes.

Submission:

Labcorp Genetics (formerly Invitae), Labcorp
Classification: Uncertain significance for Progressive familial heart block type IB. Last evaluated: 2025-10-27. Review status: criteria provided, single submitter. Criteria: Invitae Variant Classification Sherloc (09022015). Collection method: clinical testing. Allele origin: germline.
Comment: This sequence change replaces threonine, which is neutral and polar, with arginine, which is basic and polar, at codon 1123 of the TRPM4 protein (p.Thr1123Arg). This variant is not present in population databases (gnomAD no frequency). This variant has not been reported in the literature in individuals affected with TRPM4-related conditions. An algorithm developed to predict the effect of missense changes on protein structure and function (PolyPhen-2) suggests that this variant is likely to be disruptive. In summary, the available evidence is currently insufficient to determine the role of this variant in disease. Therefore, it has been classified as a Variant of Uncertain Significance.